The following is an entry in ClinVar:

ClinVar aggregate classification (germline): Uncertain significance. Review status: criteria provided, multiple submitters, no conflicts (2 of 4 stars). 2 submissions from 2 submitters: Uncertain significance (2). Last evaluated 2023-09-20.

Allele frequency attached by ClinVar (database versions not stated): ExAC 0.00033.
gnomAD v4.1: 68 of 1,536,658 alleles (0.0044%); highest among the groups gnomAD compares: South Asian, 0.072%; no homozygotes.

Submissions (2):

Ambry Genetics
Classification: Uncertain significance. Last evaluated: 2023-09-20. Review status: criteria provided, single submitter. Criteria: Ambry Variant Classification Scheme 2023. Collection method: clinical testing. Allele origin: germline.

GeneDx
Classification: Uncertain significance. Last evaluated: 2019-05-10. Review status: criteria provided, single submitter. Criteria: GeneDx Variant Classification Process June 2021. Collection method: clinical testing. Allele origin: germline. Affected: yes.
Comment: In silico analysis, which includes splice predictors and evolutionary conservation, supports that this variant does not alter protein structure/function; Has not been previously published as pathogenic or benign to our knowledge; Variants in candidate genes are classified as variants of uncertain significance in accordance with ACMG guidelines (Richards et al., 2015)

NM_006441.4(MTHFS):c.35G>T (p.Ser12Ile)

Genes: MTHFS (methenyltetrahydrofolate synthetase; minus strand), ST20-MTHFS (ST20-MTHFS readthrough; minus strand). Cytogenetic location: 15q25.1.
Variant type: single nucleotide variant.
Coding change: c.35G>T on transcript NM_006441.4 (MANE Select); coding-DNA position 35, G replaced by T.
Protein change: p.Ser12Ile; replaces serine 12 with isoleucine.
Molecular consequence: missense variant. On other transcripts: non-coding transcript variant (1), intron variant (2).
Genome position (GRCh38, 1-based): chr15:79,896,954, C>A on the plus strand (G>T on the coding strand, the complement: MTHFS is on the minus strand). VCF-style: chr15-79896954-C-A. GRCh37 (hg19) VCF-style: chr15-80189296-C-A.
Other names: c.46-7600G>T (NM_001199760.2); c.-55+207G>T (NM_001199758.1); short protein forms S12I.
Identifiers: ClinVar variation 1305517 (VCV001305517.3), dbSNP rs764862907, ClinGen allele CA7690387.
Genomic context (GRCh38, chr15:79,896,954, plus strand): 5'-TGGCGTAGCCGCTCCTCGGCACTCATCGCCCGCAGACGCTGCTTCAGCTCTCCCCGCAGG[C>A]TCCGCTTGGCGCTGCTCACCGCTGCCGCCGCCATCTCACGCCCAAGCCGAGTCCAGTCCC-3'
Protein context (NP_006432.1, residues 2-22): AAAAVSSAKR[Ser12Ile]LRGELKQRLR